The following is an entry in ClinVar:

ClinVar aggregate classification (germline): Likely pathogenic (1 of 4 stars; one submission).

Conditions:
Dilated cardiomyopathy 1G (CMD1G). Identifiers: Orphanet 154, MedGen C1858763, MONDO:0011400, OMIM 604145.

Submission:

Petrovsky National Research Centre of Surgery, The Federal Agency for Scientific Organizations
Classification: Likely pathogenic for Dilated cardiomyopathy 1G. Last evaluated: 2025-01-27. Review status: criteria provided, single submitter. Criteria: ACMG Guidelines, 2015. Collection method: clinical testing. Allele origin: germline. Inheritance: Autosomal dominant inheritance. Affected: yes. Observed: 1 heterozygote.
Comment: The variant NM_001267550.2:c.72112dup is absent in databases (gnomAD, LOVD) and predicted to introduce a premature translation termination codon). According to NMD Esc Predictor and AutoPVS1, mRNA carrying this variant, will be processed through nonsense-mediated decay mechanism, leading to haploinsufficiency. For these reasons, this variant has been classified as Likely Pathogenic.

NM_001267550.2(TTN):c.72112dup (p.Thr24038fs)

Genes: TTN (titin; minus strand), TTN-AS1 (TTN antisense RNA 1; plus strand). Cytogenetic location: 2q31.2.
Variant type: Duplication.
Coding change: c.72112dup on transcript NM_001267550.2 (MANE Select); coding-DNA position 72112, one base duplicated (A; older notation c.72112dupA).
Protein change: p.Thr24038fs; shifts the reading frame from threonine 24038.
Molecular consequence: frameshift variant.
Genome position (GRCh38, 1-based): chr2:178,574,020, T duplicated on the plus strand (A on the coding strand, the reverse complement: TTN is on the minus strand). VCF-style (leftmost placement, unchanged base first): chr2-178574019-G-GT. GRCh37 (hg19) VCF-style: chr2-179438746-G-GT.
Other names: p.Thr24038AsnfsTer8; c.67189dup, p.Thr22397fs (NM_001256850.1); c.44917dup, p.Thr14973fs (NM_003319.4); c.64408dup, p.Thr21470fs (NM_133378.4); c.45292dup, p.Thr15098fs (NM_133432.3); c.45493dup, p.Thr15165fs (NM_133437.4); short protein forms T14973fs, T15098fs, T15165fs, T21470fs, T22397fs, T24038fs.
Identifiers: ClinVar variation 4537376 (VCV004537376.1).